The following is an entry in ClinVar:

NM_002906.4(RDX):c.1091-14C>G

Gene: RDX (radixin; minus strand). Cytogenetic location: 11q22.3.
Variant type: single nucleotide variant.
Coding change: c.1091-14C>G on transcript NM_002906.4 (MANE Select); 14 bases into the intron before coding-DNA position 1091, C replaced by G.
Molecular consequence: intron variant.
Genome position (GRCh38, 1-based): chr11:110,237,666, G>C on the plus strand (C>G on the coding strand, the complement: RDX is on the minus strand). VCF-style: chr11-110237666-G-C. GRCh37 (hg19) VCF-style: chr11-110108391-G-C.
Other names: p.(Glu364AspfsTer31); c.683-14C>G (NM_001260494.2); c.995-14C>G (NM_001440517.1); c.1277-14C>G (NM_001440509.1); c.1112-14C>G (NM_001440512.1); c.1091-14C>G (NM_001440508.1, NM_001440507.1, NM_001260493.2 and 3 more transcripts); c.1058-14C>G (NM_001440514.1, NM_001440510.1, NM_001440511.1 and 2 more transcripts); c.50-14C>G (NM_001260495.2); and 2 more.
Identifiers: ClinVar variation 4852125 (VCV004852125.2).

ClinVar aggregate classification (germline): Uncertain significance (1 of 4 stars; one submission).

Conditions:
Autosomal recessive nonsyndromic hearing loss 24. Identifiers: Orphanet 90636, MedGen C1970239, MONDO:0012602, OMIM 611022.

Submission:

Laboratory of Molecular, Cellular and Translation Genetics in Otolaryngology/ Lim32-hcfmusp, University of Sao Paulo School of Medicine Clinics Hospital
Classification: Uncertain significance for Autosomal recessive nonsyndromic hearing loss 24. Last evaluated: 2026-04-30. Review status: criteria provided, single submitter. Criteria: ACMG Guidelines, 2015. Collection method: research. Allele origin: germline. Affected: yes.
Comment: NM_002906.4:c.1091-14C>G. This variant has been classified as a variant of uncertain significance (VUS). It is absent from population databases (PM2). In silico prediction tools (SpliceAI) support a significant impact on splicing, with predicted acceptor gain (0.88) and acceptor loss (0.75) (PP3). This variant has not been previously reported in the literature. In the present case, two affected siblings were identified in the homozygous state, while both parents were heterozygous carriers, consistent with autosomal recessive segregation (PP1). Although the current evidence is insufficient to establish a definitive causal role, this variant represents a strong candidate for the observed phenotype as described in PMID: 42233699.

Literature cited by the submitters: PubMed 42233699.